The following is an entry in ClinVar:

ClinVar aggregate classification (germline): Uncertain significance (1 of 4 stars; one submission).

Submission:

GeneDx
Classification: Uncertain significance. Last evaluated: 2025-03-31. Review status: criteria provided, single submitter. Criteria: GeneDx Variant Classification Process June 2021. Collection method: clinical testing. Allele origin: germline. Affected: yes.
Comment: Not observed at significant frequency in large population cohorts (gnomAD); In silico analysis is inconclusive as to whether the variant alters gene splicing. In the absence of RNA/functional studies, the actual effect of this sequence change is unknown.; Has not been previously published as pathogenic or benign to our knowledge

NM_016263.4(FZR1):c.720G>A (p.Arg240=)

Gene: FZR1 (fizzy and cell division cycle 20 related 1; plus strand). Cytogenetic location: 19p13.3.
Variant type: single nucleotide variant.
Coding change: c.720G>A on transcript NM_016263.4 (MANE Select); coding-DNA position 720, G replaced by A.
Protein change: p.Arg240=; no amino-acid change (arginine 240 retained).
Molecular consequence: synonymous variant.
Genome position (GRCh38, 1-based): chr19:3,530,857, G>A. VCF-style: chr19-3530857-G-A. GRCh37 (hg19) VCF-style: chr19-3530855-G-A.
Other names: c.453G>A, p.Arg151= (NM_001136197.1); c.720G>A, p.Arg240= (NM_001136198.1).
Identifiers: ClinVar variation 4278849 (VCV004278849.1).